The following is an entry in ClinVar:

NM_014974.3(DIP2C):c.2242T>C (p.Ser748Pro)

Gene: DIP2C (DIP2 acetate--CoA ligase C (putative); minus strand). Cytogenetic location: 10p15.3.
Variant type: single nucleotide variant.
Coding change: c.2242T>C on transcript NM_014974.3 (MANE Select); coding-DNA position 2242, T replaced by C.
Protein change: p.Ser748Pro; replaces serine 748 with proline.
Molecular consequence: missense variant.
Genome position (GRCh38, 1-based): chr10:366,301, A>G on the plus strand (T>C on the coding strand, the complement: DIP2C is on the minus strand). VCF-style: chr10-366301-A-G. GRCh37 (hg19) VCF-style: chr10-412241-A-G.
Other names: short protein forms S748P.
Identifiers: ClinVar variation 2786406 (VCV002786406.3), dbSNP rs760096335, ClinGen allele CA375834083.

ClinVar aggregate classification (germline): Uncertain significance (1 of 4 stars; one submission).

gnomAD v4.1: 4 of 1,613,882 alleles (0.00025%); highest among the groups gnomAD compares: Middle Eastern, 0.033%; no homozygotes.

Submission:

Labcorp Genetics (formerly Invitae), Labcorp
Classification: Uncertain significance. Last evaluated: 2023-03-26. Review status: criteria provided, single submitter. Criteria: Invitae Variant Classification Sherloc (09022015). Collection method: clinical testing. Allele origin: germline.
Comment: In summary, the available evidence is currently insufficient to determine the role of this variant in disease. Therefore, it has been classified as a Variant of Uncertain Significance. An algorithm developed to predict the effect of missense changes on protein structure and function (PolyPhen-2) suggests that this variant is likely to be tolerated. This variant has not been reported in the literature in individuals affected with DIP2C-related conditions. This variant is not present in population databases (gnomAD no frequency). This sequence change replaces serine, which is neutral and polar, with proline, which is neutral and non-polar, at codon 748 of the DIP2C protein (p.Ser748Pro).